The following is an entry in ClinVar:

NM_001252024.2(TRPM1):c.2088-3dup

Gene: TRPM1 (transient receptor potential cation channel subfamily M member 1; minus strand). Cytogenetic location: 15q13.3.
Variant type: Duplication.
Coding change: c.2088-3dup on transcript NM_001252024.2 (MANE Select); 3 bases into the intron before coding-DNA position 2088, one base duplicated (C; older notation c.2088-3dupC).
Molecular consequence: intron variant.
Genome position (GRCh38, 1-based): chr15:31,040,349, G duplicated on the plus strand (C on the coding strand, the reverse complement: TRPM1 is on the minus strand); the first of 6 consecutive G bases (chr15:31,040,349-31,040,354); duplicating any one gives the same sequence. VCF-style (leftmost placement, unchanged base first): chr15-31040348-T-TG. GRCh37 (hg19) VCF-style: chr15-31332551-T-TG.
Other names: c.2139-3dupC (NM_001252020.1); c.2139-3dup (NM_001252020.2); c.2022-3dup (NM_002420.6).
Identifiers: ClinVar variation 2789496 (VCV002789496.5), dbSNP rs752406887, ClinGen allele CA7452312.
Genomic context (GRCh38, chr15:31,040,348, plus strand): 5'-TCTGCTCGTCATGCTTATAGGACTGGTCTAATAACTCCAAAGCAAGCTGGCCGAAGTCTC[T>TG]GGGGGGAAAGAGAAGGGACCAGGGTGAAGCCACAGTGGCCGCAAGCTGTTTCTTAGACAG-3'

ClinVar aggregate classification (germline): Benign. Review status: criteria provided, single submitter (1 of 4 stars). 2 submissions from 2 submitters: Benign (1). 1 of the submissions does not count toward it. Last evaluated 2023-07-12.

Conditions:
TRPM1-related disorder. Also called: TRPM1-related condition.

Submissions (2):

Labcorp Genetics (formerly Invitae), Labcorp
Classification: Benign. Last evaluated: 2023-07-12. Review status: criteria provided, single submitter. Criteria: Invitae Variant Classification Sherloc (09022015). Collection method: clinical testing. Allele origin: germline.

PreventionGenetics, part of Exact Sciences
Classification: Likely benign for TRPM1-related condition. Last evaluated: 2022-08-16. Review status: no assertion criteria provided. Collection method: clinical testing. Allele origin: germline. Not counted in ClinVar's aggregate classification.
Comment: This variant is classified as likely benign based on ACMG/AMP sequence variant interpretation guidelines (Richards et al. 2015 PMID: 25741868, with internal and published modifications).